The following is an entry in ClinVar:

NM_139321.3(ATRN):c.3329A>G (p.Lys1110Arg)

Gene: ATRN (attractin; plus strand). Cytogenetic location: 20p13.
Variant type: single nucleotide variant.
Coding change: c.3329A>G on transcript NM_139321.3 (MANE Select); coding-DNA position 3329, A replaced by G.
Protein change: p.Lys1110Arg; replaces lysine 1110 with arginine.
Molecular consequence: missense variant.
Genome position (GRCh38, 1-based): chr20:3,594,485, A>G. VCF-style: chr20-3594485-A-G. GRCh37 (hg19) VCF-style: chr20-3575132-A-G.
Other names: c.2981A>G, p.Lys994Arg (NM_001207047.3); c.3329A>G, p.Lys1110Arg (NM_001323332.2, NM_139322.4); short protein forms K994R, K1110R.
Identifiers: ClinVar variation 1376688 (VCV001376688.6), dbSNP rs777394050, ClinGen allele CA9744502.
Genomic context (GRCh38, chr20:3,594,485, plus strand): 5'-TAGTCAGAATTTTTTAAGCCAGTTGTGACCTCTGTTCCTTTTTCTTCTCTGCAGCATGCA[A>G]GTGCAATGGGCACGCGTCTCTGTGCAACACCAACACGGGCAAGTGCTTCTGCACCACCAA-3'
Protein context (NP_647537.1, residues 1100-1120): PTNGGKCQPC[Lys1110Arg]CNGHASLCNT

ClinVar aggregate classification (germline): Uncertain significance (1 of 4 stars; one submission).

Allele frequency attached by ClinVar (database versions not stated): TOPMed below 0.00001; ExAC 0.00001.
gnomAD v4.1: 82 of 1,606,822 alleles (0.0051%); highest among the groups gnomAD compares: Non-Finnish European, 0.0069%; no homozygotes.

Submission:

Labcorp Genetics (formerly Invitae), Labcorp
Classification: Uncertain significance. Last evaluated: 2021-09-26. Review status: criteria provided, single submitter. Criteria: Invitae Variant Classification Sherloc (09022015). Collection method: clinical testing. Allele origin: germline.
Comment: This sequence change replaces lysine with arginine at codon 1110 of the ATRN protein (p.Lys1110Arg). The lysine residue is highly conserved and there is a small physicochemical difference between lysine and arginine. In summary, the available evidence is currently insufficient to determine the role of this variant in disease. Therefore, it has been classified as a Variant of Uncertain Significance. Algorithms developed to predict the effect of sequence changes on RNA splicing suggest that this variant may create or strengthen a splice site. Algorithms developed to predict the effect of missense changes on protein structure and function output the following: SIFT: "Tolerated"; PolyPhen-2: "Benign"; Align-GVGD: "Class C0". The arginine amino acid residue is found in multiple mammalian species, which suggests that this missense change does not adversely affect protein function. This variant has not been reported in the literature in individuals affected with ATRN-related conditions. This variant is present in population databases (rs777394050, ExAC 0.002%).